The following is an entry in ClinVar:

NM_013266.4(CTNNA3):c.1048-3C>A

Gene: CTNNA3 (catenin alpha 3; minus strand). Cytogenetic location: 10q21.3.
Variant type: single nucleotide variant.
Coding change: c.1048-3C>A on transcript NM_013266.4 (MANE Select); 3 bases into the intron before coding-DNA position 1048, C replaced by A.
Molecular consequence: intron variant.
Genome position (GRCh38, 1-based): chr10:66,775,527, G>T on the plus strand (C>A on the coding strand, the complement: CTNNA3 is on the minus strand). VCF-style: chr10-66775527-G-T. GRCh37 (hg19) VCF-style: chr10-68535285-G-T.
Other names: c.1048-3C>A (NM_001127384.3).
Identifiers: ClinVar variation 961668 (VCV000961668.1), dbSNP rs1840261441, ClinGen allele CA1139661459.

ClinVar aggregate classification (germline): Uncertain significance (1 of 4 stars; one submission).

Conditions:
Arrhythmogenic right ventricular dysplasia 13. Also called: ARRHYTHMOGENIC RIGHT VENTRICULAR CARDIOMYOPATHY 13; Arrhythmogenic right ventricular dysplasia, familial, 13. Identifiers: MedGen C3810138, MONDO:0000908, OMIM 615616.

Submission:

Labcorp Genetics (formerly Invitae), Labcorp
Classification: Uncertain significance for Arrhythmogenic right ventricular dysplasia, familial, 13. Last evaluated: 2019-09-18. Review status: criteria provided, single submitter. Criteria: Invitae Variant Classification Sherloc (09022015). Collection method: clinical testing. Allele origin: germline.
Comment: This sequence change falls in intron 7 of the CTNNA3 gene. It does not directly change the encoded amino acid sequence of the CTNNA3 protein, but it affects a nucleotide within the consensus splice site of the intron. This variant is not present in population databases (ExAC no frequency). This variant has not been reported in the literature in individuals with CTNNA3-related conditions. Nucleotide substitutions within the consensus splice site are a relatively common cause of aberrant splicing (PMID: 17576681, 9536098). Algorithms developed to predict the effect of sequence changes on RNA splicing suggest that this variant may disrupt the consensus splice site, but this prediction has not been confirmed by published transcriptional studies. In summary, the available evidence is currently insufficient to determine the role of this variant in disease. Therefore, it has been classified as a Variant of Uncertain Significance.